The following is an entry in ClinVar:

NM_004933.3(CDH15):c.1540G>A (p.Gly514Arg)

Gene: CDH15 (cadherin 15; plus strand). Cytogenetic location: 16q24.3.
Variant type: single nucleotide variant.
Coding change: c.1540G>A on transcript NM_004933.3 (MANE Select); coding-DNA position 1540, G replaced by A.
Protein change: p.Gly514Arg; replaces glycine 514 with arginine.
Molecular consequence: missense variant.
Genome position (GRCh38, 1-based): chr16:89,191,819, G>A. VCF-style: chr16-89191819-G-A. GRCh37 (hg19) VCF-style: chr16-89258227-G-A.
Other names: short protein forms G514R.
Identifiers: ClinVar variation 1028310 (VCV001028310.2), dbSNP rs1915650865, ClinGen allele CA397140877.

ClinVar aggregate classification (germline): Uncertain significance. Review status: criteria provided, multiple submitters, no conflicts (2 of 4 stars). 2 submissions from 2 submitters: Uncertain significance (2). Last evaluated 2024-11-11.

Conditions:
Intellectual developmental disorder, autosomal dominant 3. Also called: Intellectual disability, autosomal dominant 3. Identifiers: MedGen C2675488, MONDO:0012946, OMIM 612580.

Submissions (2):

Laboratorio de Genetica e Diagnostico Molecular, Hospital Israelita Albert Einstein
Classification: Uncertain significance for Intellectual developmental disorder, autosomal dominant 3. Last evaluated: 2024-11-11. Review status: criteria provided, single submitter. Criteria: ACMG Guidelines, 2015. Collection method: clinical testing. Allele origin: germline. Affected: yes.
Comment: ACMG classification criteria: PM2 supporting, BP4 supporting

Baylor Genetics
Classification: Uncertain significance for Intellectual developmental disorder, autosomal dominant 3. Last evaluated: 2020-06-08. Review status: criteria provided, single submitter. Criteria: ACMG Guidelines, 2015. Collection method: clinical testing. Allele origin: unknown. Affected: yes.
Comment: This variant was determined to be of uncertain significance according to ACMG Guidelines, 2015 [PMID:25741868].